The following is an entry in ClinVar:

ClinVar aggregate classification (germline): Uncertain significance (1 of 4 stars; one submission).

Allele frequency attached by ClinVar (database versions not stated): gnomAD exomes below 0.00001; TOPMed below 0.00001; ExAC 0.00001.
gnomAD v4.1: 3 of 1,612,756 alleles (0.00019%); highest among the groups gnomAD compares: Non-Finnish European, 0.00025%; no homozygotes.

Submission:

Labcorp Genetics (formerly Invitae), Labcorp
Classification: Uncertain significance. Last evaluated: 2023-03-01. Review status: criteria provided, single submitter. Criteria: Invitae Variant Classification Sherloc (09022015). Collection method: clinical testing. Allele origin: germline.
Comment: This sequence change replaces threonine, which is neutral and polar, with arginine, which is basic and polar, at codon 144 of the FGFR3 protein (p.Thr144Arg). In summary, the available evidence is currently insufficient to determine the role of this variant in disease. Therefore, it has been classified as a Variant of Uncertain Significance. Algorithms developed to predict the effect of sequence changes on RNA splicing suggest that this variant may disrupt the consensus splice site. Advanced modeling of protein sequence and biophysical properties (such as structural, functional, and spatial information, amino acid conservation, physicochemical variation, residue mobility, and thermodynamic stability) performed at Invitae indicates that this missense variant is not expected to disrupt FGFR3 protein function. This variant has not been reported in the literature in individuals affected with FGFR3-related conditions. This variant is present in population databases (rs748192608, gnomAD 0.002%).

NM_000142.5(FGFR3):c.431C>G (p.Thr144Arg)

Gene: FGFR3 (fibroblast growth factor receptor 3; plus strand). Cytogenetic location: 4p16.3.
Variant type: single nucleotide variant.
Coding change: c.431C>G on transcript NM_000142.5 (MANE Select); coding-DNA position 431, C replaced by G.
Protein change: p.Thr144Arg; replaces threonine 144 with arginine.
Molecular consequence: missense variant. On other transcripts: non-coding transcript variant (1).
Genome position (GRCh38, 1-based): chr4:1,799,798, C>G. VCF-style: chr4-1799798-C-G. GRCh37 (hg19) VCF-style: chr4-1801525-C-G.
Other names: c.431C>G, p.Thr144Arg (NM_001163213.2, NM_001354809.2, NM_001354810.2 and 1 more transcripts); short protein forms T144R.
Identifiers: ClinVar variation 2973192 (VCV002973192.3), dbSNP rs748192608, ClinGen allele CA2809816.